The following is an entry in ClinVar:

ClinVar aggregate classification (germline): Uncertain significance. Review status: criteria provided, multiple submitters, no conflicts (2 of 4 stars). 2 submissions from 2 submitters: Uncertain significance (2). Last evaluated 2025-12-28.

Conditions:
Inborn genetic diseases. Identifiers: MedGen C0950123, MeSH D030342.

Allele frequency attached by ClinVar (database versions not stated): ExAC 0.00001; gnomAD 0.00001; gnomAD exomes 0.00003.
gnomAD v4.1: 45 of 1,559,872 alleles (0.0029%); highest among the groups gnomAD compares: Middle Eastern, 0.017%; no homozygotes.

Submissions (2):

Labcorp Genetics (formerly Invitae), Labcorp
Classification: Uncertain significance. Last evaluated: 2025-12-28. Review status: criteria provided, single submitter. Criteria: Invitae Variant Classification Sherloc (09022015). Collection method: clinical testing. Allele origin: germline.
Comment: This sequence change replaces alanine, which is neutral and non-polar, with valine, which is neutral and non-polar, at codon 21 of the CDH2 protein (p.Ala21Val). The frequency data for this variant in the population databases is considered unreliable, as metrics indicate poor data quality at this position in the gnomAD database. This variant has not been reported in the literature in individuals affected with CDH2-related conditions. ClinVar contains an entry for this variant (Variation ID: 1752715). An algorithm developed to predict the effect of missense changes on protein structure and function outputs the following: PolyPhen-2: "Benign". The valine amino acid residue is found in multiple mammalian species, which suggests that this missense change does not adversely affect protein function. In summary, the available evidence is currently insufficient to determine the role of this variant in disease. Therefore, it has been classified as a Variant of Uncertain Significance.

Ambry Genetics
Classification: Uncertain significance for Inborn genetic diseases. Last evaluated: 2025-05-30. Review status: criteria provided, single submitter. Criteria: Ambry Variant Classification Scheme 2023. Collection method: clinical testing. Allele origin: germline.
Comment: The p.A21V variant (also known as c.62C>T), located in coding exon 2 of the CDH2 gene, results from a C to T substitution at nucleotide position 62. The alanine at codon 21 is replaced by valine, an amino acid with similar properties. This amino acid position is conserved. In addition, this alteration is predicted to be tolerated by in silico analysis. Since supporting evidence is limited at this time, the clinical significance of this alteration remains unclear.

NM_001792.5(CDH2):c.62C>T (p.Ala21Val)

Gene: CDH2 (cadherin 2; minus strand). Cytogenetic location: 18q12.1.
Variant type: single nucleotide variant.
Coding change: c.62C>T on transcript NM_001792.5 (MANE Select); coding-DNA position 62, C replaced by T.
Protein change: p.Ala21Val; replaces alanine 21 with valine.
Molecular consequence: missense variant.
Genome position (GRCh38, 1-based): chr18:28,147,783, G>A on the plus strand (C>T on the coding strand, the complement: CDH2 is on the minus strand). VCF-style: chr18-28147783-G-A. GRCh37 (hg19) VCF-style: chr18-25727747-G-A.
Other names: short protein forms A21V.
Identifiers: ClinVar variation 1752715 (VCV001752715.4), dbSNP rs751608409, ClinGen allele CA8923843.